The following is an entry in ClinVar:

NM_001012720.2(RGR):c.454C>T (p.His152Tyr)

Gene: RGR (retinal G protein coupled receptor; plus strand). Cytogenetic location: 10q23.1.
Variant type: single nucleotide variant.
Coding change: c.454C>T on transcript NM_001012720.2 (MANE Select); coding-DNA position 454, C replaced by T.
Protein change: p.His152Tyr; replaces histidine 152 with tyrosine.
Molecular consequence: missense variant.
Genome position (GRCh38, 1-based): chr10:84,252,952, C>T. VCF-style: chr10-84252952-C-T. GRCh37 (hg19) VCF-style: chr10-86012708-C-T.
Other names: c.454C>T, p.His152Tyr (NM_001012722.2); c.466C>T, p.His156Tyr (NM_002921.4); short protein forms H156Y, H152Y.
Identifiers: ClinVar variation 1425728 (VCV001425728.7), dbSNP rs150808273, ClinGen allele CA5581445.

ClinVar aggregate classification (germline): Uncertain significance. Review status: criteria provided, multiple submitters, no conflicts (2 of 4 stars). 2 submissions from 2 submitters: Uncertain significance (2). Last evaluated 2025-06-29.

Submissions (2):

Labcorp Genetics (formerly Invitae), Labcorp
Classification: Uncertain significance. Last evaluated: 2025-06-29. Review status: criteria provided, single submitter. Criteria: Invitae Variant Classification Sherloc (09022015). Collection method: clinical testing. Allele origin: germline.
Comment: This sequence change replaces histidine, which is basic and polar, with tyrosine, which is neutral and polar, at codon 152 of the RGR protein (p.His152Tyr). This variant is not present in population databases (gnomAD no frequency). This variant has not been reported in the literature in individuals affected with RGR-related conditions. ClinVar contains an entry for this variant (Variation ID: 1425728). Experimental studies and prediction algorithms are not available or were not evaluated, and the functional significance of this variant is currently unknown. In summary, the available evidence is currently insufficient to determine the role of this variant in disease. Therefore, it has been classified as a Variant of Uncertain Significance.

Breakthrough Genomics
Classification: Uncertain significance. Review status: criteria provided, single submitter. Criteria: ACMG Guidelines, 2015. Collection method: not provided. Allele origin: germline. Inheritance: Unknown mechanism. Affected: yes.